The following is an entry in ClinVar:

NM_000431.4(MVK):c.1040-5C>T

Gene: MVK (mevalonate kinase; plus strand). Cytogenetic location: 12q24.11.
Variant type: single nucleotide variant.
Coding change: c.1040-5C>T on transcript NM_000431.4 (MANE Select); 5 bases into the intron before coding-DNA position 1040, C replaced by T.
Molecular consequence: intron variant.
Genome position (GRCh38, 1-based): chr12:109,596,421, C>T. VCF-style: chr12-109596421-C-T. GRCh37 (hg19) VCF-style: chr12-110034226-C-T.
Other names: c.884-5C>T (NM_001301182.2); c.1040-5C>T (NM_001114185.3).
Identifiers: ClinVar variation 256112 (VCV000256112.13), dbSNP rs150276185, ClinGen allele CA6779445.

ClinVar aggregate classification (germline): Conflicting classifications of pathogenicity. Review status: criteria provided, conflicting classifications (1 of 4 stars). 4 submissions from 4 submitters: Uncertain significance (1); Likely benign (3). Last evaluated 2026-05-01.

Conditions:
Porokeratosis 3, disseminated superficial actinic type (POROK3). Also called: POROKERATOSIS, DISSEMINATED SUPERFICIAL ACTINIC, 1; POROKERATOSIS 3, MULTIPLE TYPES; POROKERATOSIS 3, MIBELLI TYPE. Identifiers: MedGen C1867981, MONDO:0008293, OMIM 175900.
Mevalonic aciduria (MEVA). Identifiers: Orphanet 29, MedGen C1959626, MONDO:0012481, OMIM 610377.
Hyperimmunoglobulin D with periodic fever (HIDS). Also called: HYPERIMMUNOGLOBULINEMIA D AND PERIODIC FEVER SYNDROME; Hyperimmunoglobulinemia D; Hyperimmunoglobulinemia D with periodic fever. Identifiers: Orphanet 343, MedGen C0398691, MONDO:0009849, OMIM 260920.

Allele frequency attached by ClinVar (database versions not stated): gnomAD exomes 0.00005; ESP Exome Variant Server 0.00008; ExAC 0.00009; TOPMed 0.00049; 1000 Genomes Project 30x 0.00094; 1000 Genomes Project 0.00120.
gnomAD v4.1: 148 of 1,612,900 alleles (0.0092%); highest among the groups gnomAD compares: African/African-American, 0.14%; no homozygotes.

Submissions (4):

CeGaT Center for Human Genetics Tuebingen
Classification: Uncertain significance. Last evaluated: 2026-05-01. Review status: criteria provided, single submitter. Criteria: CeGaT Center For Human Genetics Tuebingen Variant Classification Criteria Version 2. Collection method: clinical testing. Allele origin: germline. Affected: yes. Observed: 1 variant allele.
Comment: MVK: PM2, BP4

Labcorp Genetics (formerly Invitae), Labcorp
Classification: Likely benign for Mevalonic aciduria; Hyperimmunoglobulin D with periodic fever; Porokeratosis 3, disseminated superficial actinic type. Last evaluated: 2025-12-14. Review status: criteria provided, single submitter. Criteria: Invitae Variant Classification Sherloc (09022015). Collection method: clinical testing. Allele origin: germline.

Blueprint Genetics
Classification: Likely benign. Last evaluated: 2024-02-22. Review status: criteria provided, single submitter. Criteria: ACMG Guidelines, 2015. Collection method: clinical testing. Allele origin: germline.

PreventionGenetics, part of Exact Sciences
Classification: Likely benign. Review status: criteria provided, single submitter. Criteria: ACMG Guidelines, 2015. Collection method: clinical testing. Allele origin: germline.